The following is an entry in ClinVar:

ClinVar aggregate classification (germline): Uncertain significance (1 of 4 stars; one submission).

Conditions:
Glycogen storage disease IXa1. Also called: LIVER GLYCOGENOSIS, X-LINKED, TYPE I; GLYCOGEN STORAGE DISEASE VIII; GSD VIII; Glycogen storage disease 8. Identifiers: Orphanet 264580, MedGen C3694531, MONDO:0010598, OMIM 306000.

Submissions (2):

Juno Genomics, Hangzhou Juno Genomics, Inc
Classification: Uncertain significance for Glycogen storage disease IXa1. Review status: criteria provided, single submitter. Criteria: ACMG Guidelines, 2015. Collection method: clinical testing. Allele origin: germline.
Comment: Null variant in a gene where loss of function (LOF) is a known mechanism of disease.;Absent from controls (or at extremely low frequency if recessive) in Genome Aggregation Database.

Dr. Peter K. Rogan Lab, Western University
No classification provided (evidence only). Condition: Thyroid cancer, nonmedullary, 1. Review status: no classification provided. Collection method: in vitro. Allele origin: not applicable. Functional consequence: retained intron. Not counted in ClinVar's aggregate classification.

NM_000292.3(PHKA2):c.3282+2T>C

Gene: PHKA2 (phosphorylase kinase regulatory subunit alpha 2; minus strand). Cytogenetic location: Xp22.13.
Variant type: single nucleotide variant.
Coding change: c.3282+2T>C on transcript NM_000292.3 (MANE Select); the canonical splice donor site of the intron after coding-DNA position 3282, T replaced by C.
Molecular consequence: splice donor variant.
Genome position (GRCh38, 1-based): chrX:18,897,161, A>G on the plus strand (T>C on the coding strand, the complement: PHKA2 is on the minus strand). VCF-style: chrX-18897161-A-G. GRCh37 (hg19) VCF-style: chrX-18915279-A-G.
Other names: NC_000023.10:g.18915279A>G; c.3099+2T>C (NM_001440804.1); c.3129+2T>C (NM_001440803.1); c.3183+2T>C (NM_001440802.1); c.3198+2T>C (NM_001440801.1); c.3228+2T>C (NM_001440800.1); c.3306+2T>C (NM_001440805.1).
Identifiers: ClinVar variation 4482950 (VCV004482950.3).